The following is an entry in ClinVar:

ClinVar aggregate classification (germline): Likely benign. Review status: criteria provided, single submitter (1 of 4 stars). 2 submissions from 2 submitters: Likely benign (1). 1 of the submissions does not count toward it. Last evaluated 2023-09-19.

Conditions:
MCM4-related disorder. Also called: MCM4-related condition.

gnomAD v4.1: 2 of 1,520,912 alleles (0.00013%); highest among the groups gnomAD compares: Non-Finnish European, 0.00018%; no homozygotes.

Submissions (2):

Labcorp Genetics (formerly Invitae), Labcorp
Classification: Likely benign. Last evaluated: 2023-09-19. Review status: criteria provided, single submitter. Criteria: Invitae Variant Classification Sherloc (09022015). Collection method: clinical testing. Allele origin: germline.

PreventionGenetics, part of Exact Sciences
Classification: Likely benign for MCM4-related condition. Last evaluated: 2020-04-29. Review status: no assertion criteria provided. Collection method: clinical testing. Allele origin: germline. Not counted in ClinVar's aggregate classification.
Comment: This variant is classified as likely benign based on ACMG/AMP sequence variant interpretation guidelines (Richards et al. 2015 PMID: 25741868, with internal and published modifications).

NM_182746.3(MCM4):c.60C>T (p.Pro20=)

Genes: MCM4 (minichromosome maintenance complex component 4; plus strand), LOC130000338 (ATAC-STARR-seq lymphoblastoid silent region 19178; plus strand). Cytogenetic location: 8q11.21.
Variant type: single nucleotide variant.
Coding change: c.60C>T on transcript NM_182746.3 (MANE Select); coding-DNA position 60, C replaced by T.
Protein change: p.Pro20=; no amino-acid change (proline 20 retained).
Molecular consequence: synonymous variant.
Genome position (GRCh38, 1-based): chr8:47,961,204, C>T. VCF-style: chr8-47961204-C-T. GRCh37 (hg19) VCF-style: chr8-48873764-C-T.
Other names: c.60C>T (NM_005914.3); c.60C>T, p.Pro20= (NM_005914.4).
Identifiers: ClinVar variation 2796673 (VCV002796673.5), dbSNP rs1044526654, ClinGen allele CA176154434.